The following is an entry in ClinVar:

ClinVar aggregate classification (germline): Uncertain significance (1 of 4 stars; one submission).

Conditions:
Glycogen storage disease, type VI (GSD6). Also called: HERS DISEASE; PHOSPHORYLASE DEFICIENCY GLYCOGEN-STORAGE DISEASE OF LIVER; GSD VI; Hepatic glycogen phosphorylase deficiency; Glycogen storage disease type 6; Glycogen storage disease type 6, due to phosphorylation. Identifiers: Orphanet 369, MedGen C0017925, MONDO:0009294, OMIM 232700.

Allele frequency attached by ClinVar (database versions not stated): TOPMed below 0.00001; ExAC 0.00001; gnomAD 0.00001; gnomAD exomes 0.00001.
gnomAD v4.1: 15 of 1,614,104 alleles (0.00093%); highest among the groups gnomAD compares: Non-Finnish European, 0.0013%; no homozygotes.

Submission:

Labcorp Genetics (formerly Invitae), Labcorp
Classification: Uncertain significance for Glycogen storage disease, type VI. Last evaluated: 2022-06-09. Review status: criteria provided, single submitter. Criteria: Invitae Variant Classification Sherloc (09022015). Collection method: clinical testing. Allele origin: germline.
Comment: In summary, the available evidence is currently insufficient to determine the role of this variant in disease. Therefore, it has been classified as a Variant of Uncertain Significance. Advanced modeling of protein sequence and biophysical properties (such as structural, functional, and spatial information, amino acid conservation, physicochemical variation, residue mobility, and thermodynamic stability) performed at Invitae indicates that this missense variant is not expected to disrupt PYGL protein function. This variant has not been reported in the literature in individuals affected with PYGL-related conditions. This variant is present in population databases (rs776011553, gnomAD 0.0009%). This sequence change replaces methionine, which is neutral and non-polar, with isoleucine, which is neutral and non-polar, at codon 714 of the PYGL protein (p.Met714Ile).

NM_002863.5(PYGL):c.2142G>A (p.Met714Ile)

Gene: PYGL (glycogen phosphorylase L; minus strand). Cytogenetic location: 14q22.1.
Variant type: single nucleotide variant.
Coding change: c.2142G>A on transcript NM_002863.5 (MANE Select); coding-DNA position 2142, G replaced by A.
Protein change: p.Met714Ile; replaces methionine 714 with isoleucine.
Molecular consequence: missense variant.
Genome position (GRCh38, 1-based): chr14:50,909,930, C>T on the plus strand (G>A on the coding strand, the complement: PYGL is on the minus strand). VCF-style: chr14-50909930-C-T. GRCh37 (hg19) VCF-style: chr14-51376648-C-T.
Other names: c.2040G>A, p.Met680Ile (NM_001163940.2); short protein forms M680I, M714I.
Identifiers: ClinVar variation 1899167 (VCV001899167.5), dbSNP rs776011553, ClinGen allele CA7183221.